The following is an entry in ClinVar:

ClinVar aggregate classification (germline): Pathogenic. Review status: criteria provided, single submitter (1 of 4 stars). 2 submissions from 2 submitters: Pathogenic (1). 1 of the submissions does not count toward it. Last evaluated 2023-04-09.

Conditions:
Normophosphatemic familial tumoral calcinosis. Also called: CALCINOSIS, TUMORAL, WITH NORMOPHOSPHATEMIA. Identifiers: Orphanet 306658, Orphanet 53715, MedGen C1864861, MONDO:0012502, OMIM 610455.

Submissions (2):

Labcorp Genetics (formerly Invitae), Labcorp
Classification: Pathogenic. Last evaluated: 2023-04-09. Review status: criteria provided, single submitter. Criteria: Invitae Variant Classification Sherloc (09022015). Collection method: clinical testing. Allele origin: germline.
Comment: Advanced modeling of protein sequence and biophysical properties (such as structural, functional, and spatial information, amino acid conservation, physicochemical variation, residue mobility, and thermodynamic stability) has been performed at Invitae for this missense variant, however the output from this modeling did not meet the statistical confidence thresholds required to predict the impact of this variant on SAMD9 protein function. For these reasons, this variant has been classified as Pathogenic. Experimental studies have shown that this missense change affects SAMD9 function (PMID: 16960814). ClinVar contains an entry for this variant (Variation ID: 1229). This missense change has been observed in individual(s) with normophosphatemic familial tumoral calcinosis (PMID: 16960814, 18094730; Invitae). In at least one individual the data is consistent with being in trans (on the opposite chromosome) from a pathogenic variant. It has also been observed to segregate with disease in related individuals. This variant is not present in population databases (gnomAD no frequency). This sequence change replaces lysine, which is basic and polar, with glutamic acid, which is acidic and polar, at codon 1495 of the SAMD9 protein (p.Lys1495Glu).

OMIM
Classification: Pathogenic for TUMORAL CALCINOSIS, NORMOPHOSPHATEMIC, FAMILIAL. Last evaluated: 2006-10-01. Review status: no assertion criteria provided. Collection method: literature only. Allele origin: germline. Not counted in ClinVar's aggregate classification.

Literature cited by the submitters: PubMed 16960814 (cited by Labcorp Genetics (formerly Invitae), Labcorp and OMIM); PubMed 18094730 (cited by Labcorp Genetics (formerly Invitae), Labcorp).

NM_017654.4(SAMD9):c.4483A>G (p.Lys1495Glu)

Gene: SAMD9 (sterile alpha motif domain containing 9; minus strand). Cytogenetic location: 7q21.2.
Variant type: single nucleotide variant.
Coding change: c.4483A>G on transcript NM_017654.4 (MANE Select); coding-DNA position 4483, A replaced by G.
Protein change: p.Lys1495Glu; replaces lysine 1495 with glutamic acid.
Molecular consequence: missense variant.
Genome position (GRCh38, 1-based): chr7:93,101,615, T>C on the plus strand (A>G on the coding strand, the complement: SAMD9 is on the minus strand). VCF-style: chr7-93101615-T-C. GRCh37 (hg19) VCF-style: chr7-92730928-T-C.
Other names: c.4483A>G, p.Lys1495Glu (NM_001193307.2); short protein forms K1495E.
Identifiers: ClinVar variation 1229 (VCV000001229.6), dbSNP rs121918554, ClinGen allele CA114859.
Genomic context (GRCh38, chr7:93,101,615, plus strand): 5'-CACTCTGCCACAAGGAATTAATATCTGGTGTCTTCTTAAAGCACTGGTCAATTTTTCCTT[T>C]GTGAACAAGTCTTTCCAGTCTTTTACCTTTTCCAAGAAAGAAATATGCAATTGGTTGCTT-3'
Protein context (NP_060124.2, residues 1485-1505): KGKRLERLVH[Lys1495Glu]GKIDQCFKKT